The following is an entry in ClinVar:

NM_001349338.3(FOXP1):c.71A>C (p.Asn24Thr)

Gene: FOXP1 (forkhead box P1; minus strand). Cytogenetic location: 3p13.
Variant type: single nucleotide variant.
Coding change: c.71A>C on transcript NM_001349338.3 (MANE Select); coding-DNA position 71, A replaced by C.
Protein change: p.Asn24Thr; replaces asparagine 24 with threonine.
Molecular consequence: missense variant. On other transcripts: non-coding transcript variant (2).
Genome position (GRCh38, 1-based): chr3:71,198,311, T>G on the plus strand (A>C on the coding strand, the complement: FOXP1 is on the minus strand). VCF-style: chr3-71198311-T-G. GRCh37 (hg19) VCF-style: chr3-71247462-T-G.
Other names: c.71A>C, p.Asn24Thr (NM_001012505.2, NM_001244808.3, NM_001244810.2 and 7 more transcripts); short protein forms N24T.
Identifiers: ClinVar variation 2872759 (VCV002872759.3), dbSNP rs372024541, ClinGen allele CA77135956.

ClinVar aggregate classification (germline): Uncertain significance (1 of 4 stars; one submission).

Allele frequency attached by ClinVar (database versions not stated): ESP Exome Variant Server 0.00008; gnomAD 0.00001; gnomAD exomes below 0.00001; TOPMed 0.00002.
gnomAD v4.1: 4 of 1,613,870 alleles (0.00025%); highest among the groups gnomAD compares: African/African-American, 0.0053%; no homozygotes.

Submission:

Labcorp Genetics (formerly Invitae), Labcorp
Classification: Uncertain significance. Last evaluated: 2025-05-18. Review status: criteria provided, single submitter. Criteria: Invitae Variant Classification Sherloc (09022015). Collection method: clinical testing. Allele origin: germline.
Comment: This sequence change replaces asparagine, which is neutral and polar, with threonine, which is neutral and polar, at codon 24 of the FOXP1 protein (p.Asn24Thr). This variant is present in population databases (rs372024541, gnomAD 0.008%). This variant has not been reported in the literature in individuals affected with FOXP1-related conditions. ClinVar contains an entry for this variant (Variation ID: 2872759). Invitae Evidence Modeling of protein sequence and biophysical properties (such as structural, functional, and spatial information, amino acid conservation, physicochemical variation, residue mobility, and thermodynamic stability) has been performed for this missense variant. However, the output from this modeling did not meet the statistical confidence thresholds required to predict the impact of this variant on FOXP1 protein function. In summary, the available evidence is currently insufficient to determine the role of this variant in disease. Therefore, it has been classified as a Variant of Uncertain Significance.